The following is an entry in ClinVar:

ClinVar aggregate classification (germline): Likely benign (1 of 4 stars; one submission).

Allele frequency attached by ClinVar (database versions not stated): 1000 Genomes Project 30x 0.00109; 1000 Genomes Project 0.00120; TOPMed 0.00429; ExAC 0.00433; gnomAD exomes 0.00656; gnomAD 0.00438; ESP Exome Variant Server 0.00454.
gnomAD v4.1: 10,197 of 1,614,074 alleles (0.63%); highest among the groups gnomAD compares: Non-Finnish European, 0.74%; 49 homozygotes.

Submission:

CeGaT Center for Human Genetics Tuebingen
Classification: Likely benign. Last evaluated: 2022-08-01. Review status: criteria provided, single submitter. Criteria: CeGaT Center For Human Genetics Tuebingen Variant Classification Criteria Version 2. Collection method: clinical testing. Allele origin: germline. Affected: yes. Observed: 1 variant allele.
Comment: DDX27: BP4

NM_017895.8(DDX27):c.570G>A (p.Gln190=)

Gene: DDX27 (DEAD-box helicase 27; plus strand). Cytogenetic location: 20q13.13.
Variant type: single nucleotide variant.
Coding change: c.570G>A on transcript NM_017895.8 (MANE Select); coding-DNA position 570, G replaced by A.
Protein change: p.Gln190=; no amino-acid change (glutamine 190 retained).
Molecular consequence: synonymous variant.
Genome position (GRCh38, 1-based): chr20:49,225,169, G>A. VCF-style: chr20-49225169-G-A. GRCh37 (hg19) VCF-style: chr20-47841706-G-A.
Other names: c.570G>A, p.Gln190= (NM_001348187.2).
Identifiers: ClinVar variation 2652387 (VCV002652387.24), dbSNP rs61748377, ClinGen allele CA9901063.